The following is an entry in ClinVar:

NM_001039775.4(CRYBG2):c.2896C>T (p.Leu966=)

Gene: CRYBG2 (crystallin beta-gamma domain containing 2; minus strand). Cytogenetic location: 1p36.11.
Variant type: single nucleotide variant.
Coding change: c.2896C>T on transcript NM_001039775.4 (MANE Select); coding-DNA position 2896, C replaced by T.
Protein change: p.Leu966=; no amino-acid change (leucine 966 retained).
Molecular consequence: synonymous variant.
Genome position (GRCh38, 1-based): chr1:26,343,762, G>A on the plus strand (C>T on the coding strand, the complement: CRYBG2 is on the minus strand). VCF-style: chr1-26343762-G-A. GRCh37 (hg19) VCF-style: chr1-26670253-G-A.
Identifiers: ClinVar variation 2638511 (VCV002638511.24), dbSNP rs774452827, ClinGen allele CA704097.

ClinVar aggregate classification (germline): Likely benign (1 of 4 stars; one submission).

Allele frequency attached by ClinVar (database versions not stated): gnomAD 0.00005; gnomAD exomes 0.00006; TOPMed 0.00008.

Submission:

CeGaT Center for Human Genetics Tuebingen
Classification: Likely benign. Last evaluated: 2022-12-01. Review status: criteria provided, single submitter. Criteria: CeGaT Center For Human Genetics Tuebingen Variant Classification Criteria Version 2. Collection method: clinical testing. Allele origin: germline. Affected: yes. Observed: 1 variant allele.
Comment: CRYBG2: BP4, BP7